The following is an entry in ClinVar:

ClinVar aggregate classification (germline): Uncertain significance (1 of 4 stars; one submission).

Conditions:
Regional enteritis. Also called: Enteritis, Granulomatous. Identifiers: MedGen C0678202, MeSH D003424.
Blau syndrome (BLAUS). Also called: JABS SYNDROME; ARTHROCUTANEOUVEAL GRANULOMATOSIS; GRANULOMATOSIS, FAMILIAL JUVENILE SYSTEMIC; GRANULOMATOSIS, FAMILIAL, BLAU TYPE; GRANULOMATOUS INFLAMMATORY ARTHRITIS, DERMATITIS, AND UVEITIS, FAMILIAL. Identifiers: Orphanet 90340, MedGen C5201146, MONDO:0008523, OMIM 186580.

Allele frequency attached by ClinVar (database versions not stated): gnomAD exomes below 0.00001.
gnomAD v4.1: 1 of 1,613,798 alleles (0.000062%); highest among the groups gnomAD compares: Admixed American, 0.0017%; no homozygotes.

Submission:

Labcorp Genetics (formerly Invitae), Labcorp
Classification: Uncertain significance for Regional enteritis; Blau syndrome. Last evaluated: 2023-06-17. Review status: criteria provided, single submitter. Criteria: Invitae Variant Classification Sherloc (09022015). Collection method: clinical testing. Allele origin: germline.
Comment: In summary, the available evidence is currently insufficient to determine the role of this variant in disease. Therefore, it has been classified as a Variant of Uncertain Significance. Advanced modeling of protein sequence and biophysical properties (such as structural, functional, and spatial information, amino acid conservation, physicochemical variation, residue mobility, and thermodynamic stability) performed at Invitae indicates that this missense variant is not expected to disrupt NOD2 protein function. ClinVar contains an entry for this variant (Variation ID: 2106295). This variant has not been reported in the literature in individuals affected with NOD2-related conditions. This variant is present in population databases (no rsID available, gnomAD 0.003%). This sequence change replaces aspartic acid, which is acidic and polar, with glycine, which is neutral and non-polar, at codon 186 of the NOD2 protein (p.Asp186Gly).

NM_001370466.1(NOD2):c.476A>G (p.Asp159Gly)

Gene: NOD2 (nucleotide binding oligomerization domain containing 2; plus strand). Cytogenetic location: 16q12.1.
Variant type: single nucleotide variant.
Coding change: c.476A>G on transcript NM_001370466.1 (MANE Select); coding-DNA position 476, A replaced by G.
Protein change: p.Asp159Gly; replaces aspartic acid 159 with glycine.
Molecular consequence: missense variant. On other transcripts: non-coding transcript variant (1).
Genome position (GRCh38, 1-based): chr16:50,707,871, A>G. VCF-style: chr16-50707871-A-G. GRCh37 (hg19) VCF-style: chr16-50741782-A-G.
Other names: c.476A>G, p.Asp159Gly (NM_001293557.2); c.557A>G, p.Asp186Gly (NM_022162.3); short protein forms D159G, D186G.
Identifiers: ClinVar variation 2106295 (VCV002106295.4), dbSNP rs1239172723, ClinGen allele CA395867069.